The following is an entry in ClinVar:

NM_014000.3(VCL):c.3019G>A (p.Gly1007Arg)

Gene: VCL (vinculin; plus strand). Cytogenetic location: 10q22.2.
Variant type: single nucleotide variant.
Coding change: c.3019G>A on transcript NM_014000.3 (MANE Select); coding-DNA position 3019, G replaced by A.
Protein change: p.Gly1007Arg; replaces glycine 1007 with arginine.
Molecular consequence: missense variant.
Genome position (GRCh38, 1-based): chr10:74,114,253, G>A. VCF-style: chr10-74114253-G-A. GRCh37 (hg19) VCF-style: chr10-75874011-G-A.
Other names: c.2815G>A, p.Gly939Arg (NM_003373.4); short protein forms G1007R, G939R.
Identifiers: ClinVar variation 5031687 (VCV005031687.1).

ClinVar aggregate classification (germline): Uncertain significance (1 of 4 stars; one submission).

Conditions:
Cardiovascular phenotype. Identifiers: MedGen CN230736.

gnomAD v4.1: 1 of 1,614,144 alleles (0.000062%); highest among the groups gnomAD compares: Non-Finnish European, 0.000085%; no homozygotes.

Submission:

Ambry Genetics
Classification: Uncertain significance for Cardiovascular phenotype. Last evaluated: 2026-08-10. Review status: criteria provided, single submitter. Criteria: Ambry Variant Classification Scheme 2023. Collection method: clinical testing. Allele origin: germline.
Comment: The p.G1007R variant (also known as c.3019G>A), located in coding exon 20 of the VCL gene, results from a G to A substitution at nucleotide position 3019. The glycine at codon 1007 is replaced by arginine, an amino acid with dissimilar properties. This amino acid position is conserved. In addition, this alteration is predicted to be deleterious by in silico analysis. Based on the available evidence, the clinical significance of this variant remains unclear.